The following is an entry in ClinVar:

NM_001127208.3(TET2):c.3813C>G (p.Cys1271Trp)

Genes: TET2 (tet methylcytosine dioxygenase 2; plus strand), TET2-AS1 (TET2 antisense RNA 1; minus strand). Cytogenetic location: 4q24.
Variant type: single nucleotide variant.
Coding change: c.3813C>G on transcript NM_001127208.3 (MANE Select); coding-DNA position 3813, C replaced by G.
Protein change: p.Cys1271Trp; replaces cysteine 1271 with tryptophan.
Molecular consequence: missense variant.
Genome position (GRCh38, 1-based): chr4:105,259,628, C>G. VCF-style: chr4-105259628-C-G. GRCh37 (hg19) VCF-style: chr4-106180785-C-G.
Other names: short protein forms C1271W.
Identifiers: ClinVar variation 2633439 (VCV002633439.1), dbSNP rs533538484, ClinGen allele CA357806830.

ClinVar aggregate classification (germline): Uncertain significance (1 of 4 stars; one submission).

Conditions:
TET2-related disorder. Also called: TET2-related condition.

gnomAD v4.1: 5 of 1,550,350 alleles (0.00032%); highest among the groups gnomAD compares: African/African-American, 0.0014%; no homozygotes.

Submission:

PreventionGenetics, part of Exact Sciences
Classification: Uncertain significance for TET2-related condition. Last evaluated: 2023-04-17. Review status: criteria provided, single submitter. Criteria: ACMG Guidelines, 2015. Collection method: clinical testing. Allele origin: germline.
Comment: The TET2 c.3813C>G variant is predicted to result in the amino acid substitution p.Cys1271Trp. This variant has been reported as a somatic variant in individuals with acute myeloid leukemia (Chehreghani et al. 2022. PubMed ID: 35345350). This variant has not been reported in a large population database, indicating this variant is rare. At this time, the clinical significance of this variant is uncertain due to the absence of conclusive functional and genetic evidence.